The following is an entry in ClinVar:

ClinVar aggregate classification (germline): Uncertain significance (1 of 4 stars; one submission).

Conditions:
Combined immunodeficiency due to STK4 deficiency (IMD110). Also called: STK4 DEFICIENCY; T-cell immunodeficiency, recurrent infections, and autoimmunity with or without cardiac malformations; MST1 DEFICIENCY. Identifiers: Orphanet 314689, MedGen C3553943, MONDO:0013934, OMIM 614868.

Submission:

Labcorp Genetics (formerly Invitae), Labcorp
Classification: Uncertain significance for Combined immunodeficiency due to STK4 deficiency. Last evaluated: 2025-06-07. Review status: criteria provided, single submitter. Criteria: Invitae Variant Classification Sherloc (09022015). Collection method: clinical testing. Allele origin: germline.
Comment: This sequence change falls in intron 1 of the STK4 gene. It does not directly change the encoded amino acid sequence of the STK4 protein. This variant is not present in population databases (gnomAD no frequency). This variant has not been reported in the literature in individuals affected with STK4-related conditions. Algorithms developed to predict the effect of sequence changes on RNA splicing suggest that this variant may create or strengthen a splice site. In summary, the available evidence is currently insufficient to determine the role of this variant in disease. Therefore, it has been classified as a Variant of Uncertain Significance.

NM_006282.5(STK4):c.35+15_35+16del

Gene: STK4 (serine/threonine kinase 4; plus strand). Cytogenetic location: 20q13.12.
Variant type: Deletion.
Coding change: c.35+15_35+16del on transcript NM_006282.5 (MANE Select); bases 15 to 16 of the intron after coding-DNA position 35, 2 bases deleted (GC; older notation c.35+15_35+16delGC).
Molecular consequence: intron variant.
Genome position (GRCh38, 1-based): chr20:44,966,618-44,966,619, GC deleted. VCF-style (leftmost placement, unchanged base first): chr20-44966617-GGC-G. GRCh37 (hg19) VCF-style: chr20-43595258-GGC-G.
Other names: c.35+15_35+16del (NM_001352385.2).
Identifiers: ClinVar variation 4780412 (VCV004780412.1).